The following is an entry in ClinVar:

ClinVar aggregate classification (germline): Pathogenic (1 of 4 stars; one submission).

Conditions:
Kabuki syndrome. Also called: Kabuki make-up syndrome; NIIKAWA-KUROKI SYNDROME. Identifiers: Orphanet 2322, MedGen C0796004, MONDO:0016512.

Submission:

Labcorp Genetics (formerly Invitae), Labcorp
Classification: Pathogenic for Kabuki syndrome. Last evaluated: 2023-09-22. Review status: criteria provided, single submitter. Criteria: Invitae Variant Classification Sherloc (09022015). Collection method: clinical testing. Allele origin: germline.
Comment: For these reasons, this variant has been classified as Pathogenic. This variant has not been reported in the literature in individuals affected with KMT2D-related conditions. This variant is not present in population databases (gnomAD no frequency). This sequence change creates a premature translational stop signal (p.Leu1366Serfs*9) in the KMT2D gene. It is expected to result in an absent or disrupted protein product. Loss-of-function variants in KMT2D are known to be pathogenic (PMID: 22126750).

Literature cited by the submitters: PubMed 22126750.

NM_003482.4(KMT2D):c.4096_4099del (p.Leu1366fs)

Gene: KMT2D (lysine methyltransferase 2D; minus strand). Cytogenetic location: 12q13.12.
Variant type: Deletion.
Coding change: c.4096_4099del on transcript NM_003482.4 (MANE Select); coding-DNA positions 4096 to 4099, 4 bases deleted (CTCT; older notation c.4096_4099delCTCT).
Protein change: p.Leu1366fs; shifts the reading frame from leucine 1366.
Molecular consequence: frameshift variant.
Genome position (GRCh38, 1-based): chr12:49,048,691-49,048,694, AGAG deleted on the plus strand (CTCT on the coding strand, the reverse complement: KMT2D is on the minus strand); deleting any 4 consecutive bases within chr12:49,048,691-49,048,695 gives the same sequence; the c. name uses the placement nearest the transcript's 3' end. VCF-style (leftmost placement, unchanged base first): chr12-49048690-AAGAG-A. GRCh37 (hg19) VCF-style: chr12-49442473-AAGAG-A.
Other names: short protein forms L1366fs.
Identifiers: ClinVar variation 2762839 (VCV002762839.3), dbSNP rs2498436859, ClinGen allele CA2697559242.